The following is an entry in ClinVar:

NM_005219.5(DIAPH1):c.2365G>T (p.Ala789Ser)

Gene: DIAPH1 (diaphanous related formin 1; minus strand). Cytogenetic location: 5q31.3.
Variant type: single nucleotide variant.
Coding change: c.2365G>T on transcript NM_005219.5 (MANE Select); coding-DNA position 2365, G replaced by T.
Protein change: p.Ala789Ser; replaces alanine 789 with serine.
Molecular consequence: missense variant.
Genome position (GRCh38, 1-based): chr5:141,572,034, C>A on the plus strand (G>T on the coding strand, the complement: DIAPH1 is on the minus strand). VCF-style: chr5-141572034-C-A. GRCh37 (hg19) VCF-style: chr5-140951601-C-A.
Other names: c.2338G>T, p.Ala780Ser (NM_001079812.3); c.2365G>T, p.Ala789Ser (NM_001314007.2); short protein forms A780S, A789S.
Identifiers: ClinVar variation 653880 (VCV000653880.7), dbSNP rs1596376794, ClinGen allele CA361513781.
Genomic context (GRCh38, chr5:141,572,034, plus strand): 5'-TGTTCTCAAAGCGGTCCTCCTTCACCTTTGTCCAGAAGCAGTCCTGGGAGAGGTCCTCAG[C>A]CACAAGCTGTGGATAAAGGCAGGGTGTTAAGAATTAGTAAACTGAGCCCTGTACTTTCCG-3'
Protein context (NP_005210.3, residues 779-799): LRRPNWSKLV[Ala789Ser]EDLSQDCFWT

ClinVar aggregate classification (germline): Uncertain significance (1 of 4 stars; one submission).

Conditions:
Autosomal dominant nonsyndromic hearing loss 1. Also called: KONIGSMARK SYNDROME; DEAFNESS, AUTOSOMAL DOMINANT 1, WITH OR WITHOUT THROMBOCYTOPENIA. Identifiers: Orphanet 90635, MedGen C1852282, MONDO:0007424, OMIM 124900.
Progressive microcephaly-seizures-cortical blindness-developmental delay syndrome. Also called: Seizures, cortical blindness, and microcephaly syndrome. Identifiers: Orphanet 477814, MedGen C5567650, MONDO:0014714, OMIM 616632.

Allele frequency attached by ClinVar (database versions not stated): gnomAD exomes below 0.00001.
gnomAD v4.1: 1 of 1,612,072 alleles (0.000062%); highest among the groups gnomAD compares: Non-Finnish European, 0.000085%; no homozygotes.

Submission:

Labcorp Genetics (formerly Invitae), Labcorp
Classification: Uncertain significance for Progressive microcephaly-seizures-cortical blindness-developmental delay syndrome; Autosomal dominant nonsyndromic hearing loss 1. Last evaluated: 2024-09-04. Review status: criteria provided, single submitter. Criteria: Invitae Variant Classification Sherloc (09022015). Collection method: clinical testing. Allele origin: germline.
Comment: This sequence change replaces alanine, which is neutral and non-polar, with serine, which is neutral and polar, at codon 789 of the DIAPH1 protein (p.Ala789Ser). This variant is not present in population databases (gnomAD no frequency). This variant has not been reported in the literature in individuals affected with DIAPH1-related conditions. ClinVar contains an entry for this variant (Variation ID: 653880). An algorithm developed to predict the effect of missense changes on protein structure and function (PolyPhen-2) suggests that this variant is likely to be disruptive. In summary, the available evidence is currently insufficient to determine the role of this variant in disease. Therefore, it has been classified as a Variant of Uncertain Significance.